The following is an entry in ClinVar:

NM_022437.3(ABCG8):c.1412-8delinsTTT

Gene: ABCG8 (ATP binding cassette subfamily G member 8; plus strand). Cytogenetic location: 2p21.
Variant type: Indel.
Coding change: c.1412-8delinsTTT on transcript NM_022437.3 (MANE Select); 8 bases into the intron before coding-DNA position 1412, C replaced by TTT.
Molecular consequence: intron variant.
Genome position (GRCh38, 1-based): chr2:43,874,399, C replaced by TTT. VCF-style: chr2-43874399-C-TTT. GRCh37 (hg19) VCF-style: chr2-44101538-C-TTT.
Other names: c.1409-8delinsTTT (NM_001357321.2).
Identifiers: ClinVar variation 3339282 (VCV003339282.1).
Genomic context (GRCh38, chr2:43,874,399, plus strand): 5'-CTCCAAAACAGAAGCACTGTAGATTTATTCTACTTCTTCATTCTCTTTTCCTTTCCCTTA[C>TTT]TTTTTAGGTTACTCAGAGAGGGCAATGCTTTACTATGAACTGGAAGACGGGCTGTACACC-3'

ClinVar aggregate classification (germline): Likely benign (1 of 4 stars; one submission).

Submission:

Women's Health and Genetics/Laboratory Corporation of America, LabCorp
Classification: Likely benign. Last evaluated: 2024-07-29. Review status: criteria provided, single submitter. Criteria: LabCorp Variant Classification Summary - May 2015. Collection method: clinical testing. Allele origin: germline.
Comment: Variant summary: ABCG8 c.1412-8delinsTTT is part of a multinucleotide combination of 2-44101538-C-T (c.1412-8C>T) and 2-44101537-A-ATT (c.1412-9_1412-8insTT) and alters nucleotides in a repeat region located at a position not widely known to affect splicing. The c.1412-8C>T component was found at a frequency of 0.67 in 282738 control chromosomes in the gnomAD database and has been classified by our lab and others as benign and the c.1412-9_1412-8insTT component was found at a frequency of 2.8e-05 in 282638 control chromosomes. The available data on variant occurrences in the general population are insufficient to allow any conclusion about the significance of the merged c.1412-8delinsTTT variant. To our knowledge, no occurrence of c.1412-8delinsTTT in individuals affected with Early Onset Coronary Artery Disease and no experimental evidence demonstrating its impact on protein function have been reported. No submitters have cited clinical-significance assessments for this variant to ClinVar. Based on the evidence outlined above, the variant was classified as likely benign.